The following is an entry in ClinVar:

NM_001843.4(CNTN1):c.1229-86dup

Gene: CNTN1 (contactin 1; plus strand). Cytogenetic location: 12q12.
Variant type: Duplication.
Coding change: c.1229-86dup on transcript NM_001843.4 (MANE Select); 86 bases into the intron before coding-DNA position 1229, one base duplicated (A; older notation c.1229-86dupA).
Molecular consequence: intron variant.
Genome position (GRCh38, 1-based): chr12:40,939,249, A duplicated; the last of 2 consecutive A bases (chr12:40,939,248-40,939,249); duplicating either gives the same sequence. VCF-style (leftmost placement, unchanged base first): chr12-40939247-T-TA. GRCh37 (hg19) VCF-style: chr12-41333049-T-TA.
Other names: c.1229-86dup (NM_001256063.2, NM_001256064.2); c.1196-86dup (NM_175038.2).
Identifiers: ClinVar variation 679157 (VCV000679157.1), dbSNP rs74449088, ClinGen allele CA235402879.

ClinVar aggregate classification (germline): Benign (1 of 4 stars; one submission).

Submission:

GeneDx
Classification: Benign. Last evaluated: 2018-06-19. Review status: criteria provided, single submitter. Criteria: GeneDx Variant Classification (06012015). Collection method: clinical testing. Allele origin: germline. Affected: yes.
Comment: This variant is considered likely benign or benign based on one or more of the following criteria: it is a conservative change, it occurs at a poorly conserved position in the protein, it is predicted to be benign by multiple in silico algorithms, and/or has population frequency not consistent with disease.